The following is an entry in ClinVar:

ClinVar aggregate classification (germline): Uncertain significance (1 of 4 stars; one submission).

Allele frequency attached by ClinVar (database versions not stated): gnomAD exomes below 0.00001 and 0.00001; TOPMed below 0.00001; gnomAD 0.00001.

Submission:

Labcorp Genetics (formerly Invitae), Labcorp
Classification: Uncertain significance. Last evaluated: 2021-08-05. Review status: criteria provided, single submitter. Criteria: Invitae Variant Classification Sherloc (09022015). Collection method: clinical testing. Allele origin: germline.
Comment: This variant is not present in population databases (ExAC no frequency). This sequence change replaces methionine with threonine at codon 1105 of the NBAS protein (p.Met1105Thr). The methionine residue is highly conserved and there is a moderate physicochemical difference between methionine and threonine. In summary, the available evidence is currently insufficient to determine the role of this variant in disease. Therefore, it has been classified as a Variant of Uncertain Significance. Algorithms developed to predict the effect of missense changes on protein structure and function are either unavailable or do not agree on the potential impact of this missense change (SIFT: "Deleterious"; PolyPhen-2: "Benign"; Align-GVGD: "Class C65"). This variant has not been reported in the literature in individuals affected with NBAS-related conditions.

NM_015909.4(NBAS):c.3314T>C (p.Met1105Thr)

Gene: NBAS (NBAS subunit of NRZ tethering complex; minus strand). Cytogenetic location: 2p24.3.
Variant type: single nucleotide variant.
Coding change: c.3314T>C on transcript NM_015909.4 (MANE Select); coding-DNA position 3314, T replaced by C.
Protein change: p.Met1105Thr; replaces methionine 1105 with threonine.
Molecular consequence: missense variant. On other transcripts: non-coding transcript variant (1).
Genome position (GRCh38, 1-based): chr2:15,383,261, A>G on the plus strand (T>C on the coding strand, the complement: NBAS is on the minus strand). VCF-style: chr2-15383261-A-G. GRCh37 (hg19) VCF-style: chr2-15523385-A-G.
Other names: short protein forms M1105T.
Identifiers: ClinVar variation 1409551 (VCV001409551.4), dbSNP rs1330221780, ClinGen allele CA345897989.